The following is an entry in ClinVar:

NM_032119.4(ADGRV1):c.3416+3A>G

Gene: ADGRV1 (adhesion G protein-coupled receptor V1; plus strand). Cytogenetic location: 5q14.3.
Variant type: single nucleotide variant.
Coding change: c.3416+3A>G on transcript NM_032119.4 (MANE Select); 3 bases into the intron after coding-DNA position 3416, A replaced by G.
Molecular consequence: intron variant.
Genome position (GRCh38, 1-based): chr5:90,651,733, A>G. VCF-style: chr5-90651733-A-G. GRCh37 (hg19) VCF-style: chr5-89947550-A-G.
Identifiers: ClinVar variation 1058113 (VCV001058113.7), dbSNP rs1768655810, ClinGen allele CA1562840065.

ClinVar aggregate classification (germline): Uncertain significance (1 of 4 stars; one submission).

Submission:

Labcorp Genetics (formerly Invitae), Labcorp
Classification: Uncertain significance. Last evaluated: 2022-03-10. Review status: criteria provided, single submitter. Criteria: Invitae Variant Classification Sherloc (09022015). Collection method: clinical testing. Allele origin: germline.
Comment: In summary, the available evidence is currently insufficient to determine the role of this variant in disease. Therefore, it has been classified as a Variant of Uncertain Significance. Variants that disrupt the consensus splice site are a relatively common cause of aberrant splicing (PMID: 17576681, 9536098). Algorithms developed to predict the effect of sequence changes on RNA splicing suggest that this variant is not likely to affect RNA splicing. ClinVar contains an entry for this variant (Variation ID: 1058113). This variant has not been reported in the literature in individuals affected with ADGRV1-related conditions. This variant is not present in population databases (gnomAD no frequency). This sequence change falls in intron 18 of the ADGRV1 gene. It does not directly change the encoded amino acid sequence of the ADGRV1 protein. It affects a nucleotide within the consensus splice site.

Literature cited by the submitters: PubMed 17576681; PubMed 9536098.